The following is an entry in ClinVar:

ClinVar aggregate classification (germline): Pathogenic (1 of 4 stars; one submission).

Allele frequency attached by ClinVar (database versions not stated): gnomAD exomes below 0.00001.
gnomAD v4.1: 5 of 1,612,638 alleles (0.00031%); highest among the groups gnomAD compares: Non-Finnish European, 0.00034%; no homozygotes.

Submission:

Labcorp Genetics (formerly Invitae), Labcorp
Classification: Pathogenic. Last evaluated: 2023-04-20. Review status: criteria provided, single submitter. Criteria: Invitae Variant Classification Sherloc (09022015). Collection method: clinical testing. Allele origin: germline.
Comment: For these reasons, this variant has been classified as Pathogenic. This variant has not been reported in the literature in individuals affected with COL27A1-related conditions. This variant is present in population databases (rs764305873, gnomAD 0.0009%). This sequence change creates a premature translational stop signal (p.Arg1104*) in the COL27A1 gene. It is expected to result in an absent or disrupted protein product. Loss-of-function variants in COL27A1 are known to be pathogenic (PMID: 24986830, 28276056).

Literature cited by the submitters: PubMed 24986830; PubMed 28276056.

NM_032888.4(COL27A1):c.3310C>T (p.Arg1104Ter)

Gene: COL27A1 (collagen type XXVII alpha 1 chain; plus strand). Cytogenetic location: 9q32.
Variant type: single nucleotide variant.
Coding change: c.3310C>T on transcript NM_032888.4 (MANE Select); coding-DNA position 3310, C replaced by T.
Protein change: p.Arg1104Ter; replaces arginine 1104 with a stop codon.
Molecular consequence: nonsense.
Genome position (GRCh38, 1-based): chr9:114,265,081, C>T. VCF-style: chr9-114265081-C-T. GRCh37 (hg19) VCF-style: chr9-117027361-C-T.
Other names: short protein forms R1104*.
Identifiers: ClinVar variation 2785848 (VCV002785848.3), dbSNP rs764305873, ClinGen allele CA5202407.